The following is an entry in ClinVar:

ClinVar aggregate classification (germline): Pathogenic. Review status: criteria provided, single submitter (1 of 4 stars). 2 submissions from 2 submitters: Pathogenic (1). 1 of the submissions does not count toward it. Last evaluated 2024-06-11.

Conditions:
Poirier-Bienvenu neurodevelopmental syndrome (POBINDS). Identifiers: Orphanet 689397, MedGen C5231482, MONDO:0032889, OMIM 618732.

Submissions (2):

GeneDx
Classification: Pathogenic. Last evaluated: 2024-06-11. Review status: criteria provided, single submitter. Criteria: GeneDx Variant Classification Process June 2021. Collection method: clinical testing. Allele origin: germline. Affected: yes.
Comment: Canonical splice site variant demonstrated to result in a null allele in a gene for which loss-of-function is a known mechanism of disease (PMID: 28585349); Not observed at significant frequency in large population cohorts (gnomAD); This variant is associated with the following publications: (PMID: 30655572, 31784560, 28585349)

OMIM
Classification: Pathogenic for POIRIER-BIENVENU NEURODEVELOPMENTAL SYNDROME. Last evaluated: 2020-01-15. Review status: no assertion criteria provided. Collection method: literature only. Allele origin: germline. Not counted in ClinVar's aggregate classification.

Literature cited by the submitters: PubMed 28585349 (cited by OMIM).

NM_001320.7(CSNK2B):c.175+2T>G

Gene: CSNK2B (casein kinase 2 beta; plus strand). Cytogenetic location: 6p21.33.
Variant type: single nucleotide variant.
Coding change: c.175+2T>G on transcript NM_001320.7 (MANE Select); the canonical splice donor site of the intron after coding-DNA position 175, T replaced by G.
Molecular consequence: splice donor variant.
Genome position (GRCh38, 1-based): chr6:31,667,972, T>G. VCF-style: chr6-31667972-T-G. GRCh37 (hg19) VCF-style: chr6-31635749-T-G.
Other names: IVS3DS, T-G, +2; c.175+2T>G (NM_001282385.2).
Identifiers: ClinVar variation 805768 (VCV000805768.2), dbSNP rs1583605716, ClinGen allele CA363472506.